The following is an entry in ClinVar:

ClinVar aggregate classification (germline): Conflicting classifications of pathogenicity. Review status: criteria provided, conflicting classifications (1 of 4 stars). 2 submissions from 2 submitters: Pathogenic (1); Uncertain significance (1). Last evaluated 2022-10-13.

Conditions:
Cardiovascular phenotype. Identifiers: MedGen CN230736.
Arrhythmogenic right ventricular dysplasia 9 (ARVD9). Also called: Arrhythmogenic Right Ventricular Dysplasia/Cardiomyopathy 9; ARRHYTHMOGENIC RIGHT VENTRICULAR DYSPLASIA, FAMILIAL, 9. Identifiers: MedGen C1836906, MONDO:0012180, OMIM 609040.

Submissions (2):

Labcorp Genetics (formerly Invitae), Labcorp
Classification: Pathogenic for Arrhythmogenic right ventricular dysplasia 9. Last evaluated: 2022-10-13. Review status: criteria provided, single submitter. Criteria: Invitae Variant Classification Sherloc (09022015). Collection method: clinical testing. Allele origin: germline.
Comment: For these reasons, this variant has been classified as Pathogenic. This variant has not been reported in the literature in individuals affected with PKP2-related conditions. This variant is not present in population databases (gnomAD no frequency). This sequence change creates a premature translational stop signal (p.Arg466*) in the PKP2 gene. It is expected to result in an absent or disrupted protein product. Loss-of-function variants in PKP2 are known to be pathogenic (PMID: 15489853, 23911551).

Ambry Genetics
Classification: Uncertain significance for Cardiovascular phenotype. Last evaluated: 2018-01-09. Review status: criteria provided, single submitter. Criteria: Ambry Variant Classification Scheme 2023. Collection method: clinical testing. Allele origin: germline.
Comment: The p.R466* variant (also known as c.1396A>T), located in coding exon 6 of the PKP2 gene, results from an A to T substitution at nucleotide position 1396. This changes the amino acid from an arginine to a stop codon within coding exon 6. Premature stop codons are typically deleterious in nature, and loss of PKP2 function is an accepted mechanism of disease. However, pathogenicity has not been established for alterations in exon 6 of PKP2. The exon is alternatively spliced, and the predominant isoform in human cardiac tissue, PKP2A, does not include exon 6 (Gandjbakhch E et al. Heart. 2011;97(10):844-9). Since supporting evidence is limited at this time, the clinical significance of this alteration is unclear.

Literature cited by the submitters: PubMed 15489853 (cited by Labcorp Genetics (formerly Invitae), Labcorp); PubMed 23911551 (cited by Labcorp Genetics (formerly Invitae), Labcorp); PubMed 21378009 (cited by Ambry Genetics).

NM_001005242.3(PKP2):c.1379-2091A>T

Gene: PKP2 (plakophilin 2; minus strand). Cytogenetic location: 12p11.21.
Variant type: single nucleotide variant.
Coding change: c.1379-2091A>T on transcript NM_001005242.3 (MANE Select); 2091 bases into the intron before coding-DNA position 1379, A replaced by T.
Molecular consequence: intron variant. On other transcripts: nonsense (2).
Genome position (GRCh38, 1-based): chr12:32,843,296, T>A on the plus strand (A>T on the coding strand, the complement: PKP2 is on the minus strand). VCF-style: chr12-32843296-T-A. GRCh37 (hg19) VCF-style: chr12-32996230-T-A.
Other names: c.1396A>T, p.Arg466Ter (NM_001407157.1, NM_004572.4); short protein forms R466*.
Identifiers: ClinVar variation 1771643 (VCV001771643.7), dbSNP rs2541270576, ClinGen allele CA384368789.
Genomic context (GRCh38, chr12:32,843,296, plus strand): 5'-CTCCCAAAGTGCTGGGATTACAGGCGTGAGCCACCGCGCCCGGCCAGCCATTCCTACTTC[T>A]TAAATTGACTGTATGGTCTGTACAAAGGAAAGAGGAAGCATAGGTACTCAGGGCAGGCTC-3'